The following is an entry in ClinVar:

NM_002491.3(NDUFB3):c.201del (p.Phe68fs)

Gene: NDUFB3 (NADH:ubiquinone oxidoreductase subunit B3; plus strand). Cytogenetic location: 2q33.1.
Variant type: Deletion.
Coding change: c.201del on transcript NM_002491.3 (MANE Select); coding-DNA position 201, one base deleted (C; older notation c.201delC).
Protein change: p.Phe68fs; shifts the reading frame from phenylalanine 68.
Molecular consequence: frameshift variant.
Genome position (GRCh38, 1-based): chr2:201,085,519, C deleted. VCF-style (leftmost placement, unchanged base first): chr2-201085518-TC-T. GRCh37 (hg19) VCF-style: chr2-201950241-TC-T.
Other names: c.201del, p.Phe68fs (NM_001257102.2); short protein forms F68fs.
Identifiers: ClinVar variation 809137 (VCV000809137.44), dbSNP rs747403932, ClinGen allele CA2052325.

ClinVar aggregate classification (germline): Likely pathogenic (1 of 4 stars; one submission).

Allele frequency attached by ClinVar (database versions not stated): gnomAD exomes 0.00001; ExAC 0.00002; TOPMed 0.00002; gnomAD 0.00004; ESP Exome Variant Server 0.00008.

Submission:

GeneDx
Classification: Likely pathogenic. Last evaluated: 2025-09-18. Review status: criteria provided, single submitter. Criteria: GeneDx Variant Classification Process June 2021. Collection method: clinical testing. Allele origin: germline. Affected: yes.
Comment: Frameshift variant predicted to result in abnormal protein length as the last 31 amino acids are replaced with 12 different amino acids, and other similar variants have been reported; Not observed at significant frequency in large population cohorts (gnomAD); Has not been previously published as pathogenic or benign to our knowledge